The following is an entry in ClinVar:

NM_001379500.1(COL18A1):c.1005+7C>G

Gene: COL18A1 (collagen type XVIII alpha 1 chain; plus strand). Cytogenetic location: 21q22.3.
Variant type: single nucleotide variant.
Coding change: c.1005+7C>G on transcript NM_001379500.1 (MANE Select); 7 bases into the intron after coding-DNA position 1005, C replaced by G.
Molecular consequence: intron variant.
Genome position (GRCh38, 1-based): chr21:45,477,494, C>G. VCF-style: chr21-45477494-C-G. GRCh37 (hg19) VCF-style: chr21-46897408-C-G.
Other names: NM_130445.3:c.1005+7C>G; c.1545+7C>G (NM_030582.3, NM_030582.4); c.2250+7C>G (NM_130444.3).
Identifiers: ClinVar variation 728124 (VCV000728124.14), dbSNP rs371767810, ClinGen allele CA10066046.

ClinVar aggregate classification (germline): Benign/Likely benign. Review status: criteria provided, multiple submitters, no conflicts (2 of 4 stars). 3 submissions from 3 submitters: Benign (1); Likely benign (1). 1 of the submissions does not count toward it. Last evaluated 2026-01-26.

Conditions:
COL18A1-related disorder. Also called: COL18A1-related disorders; COL18A1-related condition.

Allele frequency attached by ClinVar (database versions not stated): ExAC 0.00096; ESP Exome Variant Server 0.00226; 1000 Genomes Project 0.00240; TOPMed 0.00250; 1000 Genomes Project 30x 0.00328.
gnomAD v4.1: 610 of 1,603,888 alleles (0.038%); highest among the groups gnomAD compares: African/African-American, 0.73%; 2 homozygotes.

Submissions (3):

Labcorp Genetics (formerly Invitae), Labcorp
Classification: Benign. Last evaluated: 2026-01-26. Review status: criteria provided, single submitter. Criteria: Invitae Variant Classification Sherloc (09022015). Collection method: clinical testing. Allele origin: germline.

Blueprint Genetics
Classification: Likely benign. Last evaluated: 2024-10-08. Review status: criteria provided, single submitter. Criteria: ACMG Guidelines, 2015. Collection method: clinical testing. Allele origin: germline.

PreventionGenetics, part of Exact Sciences
Classification: Benign for COL18A1-related condition. Last evaluated: 2019-09-13. Review status: no assertion criteria provided. Collection method: clinical testing. Allele origin: germline. Not counted in ClinVar's aggregate classification.
Comment: This variant is classified as benign based on ACMG/AMP sequence variant interpretation guidelines (Richards et al. 2015 PMID: 25741868, with internal and published modifications).